The following is an entry in ClinVar:

NM_001165963.4(SCN1A):c.4255_4265del (p.Gly1419fs)

Genes: SCN1A (sodium voltage-gated channel alpha subunit 1; minus strand), LOC102724058 (uncharacterized LOC102724058; plus strand). Cytogenetic location: 2q24.3.
Variant type: Deletion.
Coding change: c.4255_4265del on transcript NM_001165963.4 (MANE Select); coding-DNA positions 4255 to 4265, 11 bases deleted (GGATTTGGGTA).
Protein change: p.Gly1419fs; shifts the reading frame from glycine 1419.
Molecular consequence: frameshift variant. On other transcripts: non-coding transcript variant (1).
Genome position (GRCh38, 1-based): chr2:166,002,491-166,002,501, TACCCAAATCC deleted on the plus strand (GGATTTGGGTA on the coding strand, the reverse complement: SCN1A is on the minus strand); deleting any 11 consecutive bases within chr2:166,002,491-166,002,504 gives the same sequence; the c. name uses the placement nearest the transcript's 3' end. VCF-style (leftmost placement, unchanged base first): chr2-166002490-ATACCCAAATCC-A. GRCh37 (hg19) VCF-style: chr2-166859000-ATACCCAAATCC-A.
Other names: c.4171_4181del, p.Gly1391fs (NM_001165964.3, NM_001353957.2, NM_001353958.2); c.4255_4265del, p.Gly1419fs (NM_001202435.3, NM_001353948.2); c.4222_4232del, p.Gly1408fs (NM_001353949.2, NM_001353950.2, NM_001353951.2 and 2 more transcripts); c.4219_4229del, p.Gly1407fs (NM_001353954.2, NM_001353955.2); c.4168_4178del, p.Gly1390fs (NM_001353960.2); c.1813_1823del, p.Gly605fs (NM_001353961.2); short protein forms G1390fs, G1391fs, G1407fs, G1408fs, G1419fs, G605fs.
Identifiers: ClinVar variation 4854644 (VCV004854644.1).

ClinVar aggregate classification (germline): Likely pathogenic (1 of 4 stars; one submission).

Conditions:
SCN1A-related disorder. Also called: SCN1A-related disorders; SCN1A-related conditions; SCN1A-related condition.

Submission:

3billion
Classification: Likely pathogenic for SCN1A-related disorder. Last evaluated: 2025-10-16. Review status: criteria provided, single submitter. Criteria: ACMG Guidelines, 2015. Collection method: clinical testing. Allele origin: germline. Affected: yes.
Comment: The variant is not observed in the gnomAD v4.1.0 dataset. Predicted Consequence/Location: Frameshift: predicted to result in a loss or disruption of normal protein function through nonsense-mediated decay (NMD) or protein truncation. Multiple pathogenic variants are reported downstream of the variant. Therefore, this variant is classified as Likely pathogenic according to the recommendation of ACMG/AMP guideline.